The following is an entry in ClinVar:

NM_006922.4(SCN3A):c.2728G>A (p.Glu910Lys)

Gene: SCN3A (sodium voltage-gated channel alpha subunit 3; minus strand). Cytogenetic location: 2q24.3.
Variant type: single nucleotide variant.
Coding change: c.2728G>A on transcript NM_006922.4 (MANE Select); coding-DNA position 2728, G replaced by A.
Protein change: p.Glu910Lys; replaces glutamic acid 910 with lysine.
Molecular consequence: missense variant.
Genome position (GRCh38, 1-based): chr2:165,130,134, C>T on the plus strand (G>A on the coding strand, the complement: SCN3A is on the minus strand). VCF-style: chr2-165130134-C-T. GRCh37 (hg19) VCF-style: chr2-165986644-C-T.
Other names: c.2581G>A, p.Glu861Lys (NM_001081676.2, NM_001081677.2); short protein forms E861K, E910K.
Identifiers: ClinVar variation 1024565 (VCV001024565.8), dbSNP rs1687225788, ClinGen allele CA349042668.

ClinVar aggregate classification (germline): Uncertain significance (1 of 4 stars; one submission).

Submission:

Labcorp Genetics (formerly Invitae), Labcorp
Classification: Uncertain significance. Last evaluated: 2020-06-01. Review status: criteria provided, single submitter. Criteria: Invitae Variant Classification Sherloc (09022015). Collection method: clinical testing. Allele origin: germline.
Comment: This sequence change replaces glutamic acid with lysine at codon 910 of the SCN3A protein (p.Glu910Lys). The glutamic acid residue is highly conserved and there is a small physicochemical difference between glutamic acid and lysine. This variant is not present in population databases (ExAC no frequency). This variant has not been reported in the literature in individuals with SCN3A-related conditions. Algorithms developed to predict the effect of missense changes on protein structure and function are either unavailable or do not agree on the potential impact of this missense change (SIFT: "Deleterious"; PolyPhen-2: "Benign"; Align-GVGD: "Class C55"). In summary, the available evidence is currently insufficient to determine the role of this variant in disease. Therefore, it has been classified as a Variant of Uncertain Significance.